The following is an entry in ClinVar:

ClinVar aggregate classification (germline): Uncertain significance (1 of 4 stars; one submission).

Submission:

Labcorp Genetics (formerly Invitae), Labcorp
Classification: Uncertain significance. Last evaluated: 2021-11-29. Review status: criteria provided, single submitter. Criteria: Invitae Variant Classification Sherloc (09022015). Collection method: clinical testing. Allele origin: germline.
Comment: In summary, the available evidence is currently insufficient to determine the role of this variant in disease. Therefore, it has been classified as a Variant of Uncertain Significance. This sequence change replaces leucine, which is neutral and non-polar, with valine, which is neutral and non-polar, at codon 858 of the KMT2A protein (p.Leu858Val). This variant is not present in population databases (gnomAD no frequency). This variant has not been reported in the literature in individuals affected with KMT2A-related conditions. Advanced modeling of protein sequence and biophysical properties (such as structural, functional, and spatial information, amino acid conservation, physicochemical variation, residue mobility, and thermodynamic stability) performed at Invitae indicates that this missense variant is not expected to disrupt KMT2A protein function. Algorithms developed to predict the effect of sequence changes on RNA splicing suggest that this variant may create or strengthen a splice site.

NM_001197104.2(KMT2A):c.2572C>G (p.Leu858Val)

Gene: KMT2A (lysine methyltransferase 2A; plus strand). Cytogenetic location: 11q23.3.
Variant type: single nucleotide variant.
Coding change: c.2572C>G on transcript NM_001197104.2 (MANE Select); coding-DNA position 2572, C replaced by G.
Protein change: p.Leu858Val; replaces leucine 858 with valine.
Molecular consequence: missense variant.
Genome position (GRCh38, 1-based): chr11:118,473,731, C>G. VCF-style: chr11-118473731-C-G. GRCh37 (hg19) VCF-style: chr11-118344446-C-G.
Other names: c.2572C>G, p.Leu858Val (NM_005933.4); short protein forms L858V.
Identifiers: ClinVar variation 1491601 (VCV001491601.6), dbSNP rs2134270418, ClinGen allele CA382816226.